The following is an entry in ClinVar:

NM_032383.5(HPS3):c.224A>G (p.Tyr75Cys)

Gene: HPS3 (HPS3 biogenesis of lysosomal organelles complex 2 subunit 1; plus strand). Cytogenetic location: 3q24.
Variant type: single nucleotide variant.
Coding change: c.224A>G on transcript NM_032383.5 (MANE Select); coding-DNA position 224, A replaced by G.
Protein change: p.Tyr75Cys; replaces tyrosine 75 with cysteine.
Molecular consequence: missense variant. On other transcripts: intron variant (1).
Genome position (GRCh38, 1-based): chr3:149,140,010, A>G. VCF-style: chr3-149140010-A-G. GRCh37 (hg19) VCF-style: chr3-148857797-A-G.
Other names: c.218-1007A>G (NM_001308258.2); short protein forms Y75C.
Identifiers: ClinVar variation 2771329 (VCV002771329.3), dbSNP rs765540129, ClinGen allele CA2659754.
Genomic context (GRCh38, chr3:149,140,010, plus strand): 5'-AGGTGGTTGTATTTCTAATTACAAATTCTCAGTATAATCTTCATTCCTTCTCAGGAGATT[A>G]TTTGGTAGCAATTGAAGAGAAAAACAAAGCTACATTTCTACGTGCTTATGTGAACTGGAG-3'
Protein context (NP_115759.2, residues 65-85): LRLAYSEAGD[Tyr75Cys]LVAIEEKNKA

ClinVar aggregate classification (germline): Uncertain significance (1 of 4 stars; one submission).

gnomAD v4.1: 8 of 1,612,858 alleles (0.0005%); highest among the groups gnomAD compares: South Asian, 0.0088%; no homozygotes.

Submission:

Labcorp Genetics (formerly Invitae), Labcorp
Classification: Uncertain significance. Last evaluated: 2023-06-05. Review status: criteria provided, single submitter. Criteria: Invitae Variant Classification Sherloc (09022015). Collection method: clinical testing. Allele origin: germline.
Comment: In summary, the available evidence is currently insufficient to determine the role of this variant in disease. Therefore, it has been classified as a Variant of Uncertain Significance. Advanced modeling of protein sequence and biophysical properties (such as structural, functional, and spatial information, amino acid conservation, physicochemical variation, residue mobility, and thermodynamic stability) performed at Invitae indicates that this missense variant is expected to disrupt HPS3 protein function. This sequence change replaces tyrosine, which is neutral and polar, with cysteine, which is neutral and slightly polar, at codon 75 of the HPS3 protein (p.Tyr75Cys). This variant is present in population databases (rs765540129, gnomAD 0.007%). This variant has not been reported in the literature in individuals affected with HPS3-related conditions.